The following is an entry in ClinVar:

NM_004104.5(FASN):c.5104G>C (p.Ala1702Pro)

Gene: FASN (fatty acid synthase; minus strand). Cytogenetic location: 17q25.3.
Variant type: single nucleotide variant.
Coding change: c.5104G>C on transcript NM_004104.5 (MANE Select); coding-DNA position 5104, G replaced by C.
Protein change: p.Ala1702Pro; replaces alanine 1702 with proline.
Molecular consequence: missense variant.
Genome position (GRCh38, 1-based): chr17:82,083,886, C>G on the plus strand (G>C on the coding strand, the complement: FASN is on the minus strand). VCF-style: chr17-82083886-C-G. GRCh37 (hg19) VCF-style: chr17-80041762-C-G.
Other names: short protein forms A1702P.
Identifiers: ClinVar variation 666204 (VCV000666204.10), dbSNP rs1045946649, ClinGen allele CA401540759.

ClinVar aggregate classification (germline): Uncertain significance (1 of 4 stars; one submission).

Conditions:
Epileptic encephalopathy. Identifiers: MedGen C0543888, HP:0200134.

Submission:

Labcorp Genetics (formerly Invitae), Labcorp
Classification: Uncertain significance for Epileptic encephalopathy. Last evaluated: 2022-08-23. Review status: criteria provided, single submitter. Criteria: Invitae Variant Classification Sherloc (09022015). Collection method: clinical testing. Allele origin: germline.
Comment: This sequence change replaces alanine, which is neutral and non-polar, with proline, which is neutral and non-polar, at codon 1702 of the FASN protein (p.Ala1702Pro). This variant is not present in population databases (gnomAD no frequency). This variant has not been reported in the literature in individuals affected with FASN-related conditions. ClinVar contains an entry for this variant (Variation ID: 666204). Algorithms developed to predict the effect of missense changes on protein structure and function are either unavailable or do not agree on the potential impact of this missense change (SIFT: "Deleterious"; PolyPhen-2: "Benign"; Align-GVGD: "Class C0"). In summary, the available evidence is currently insufficient to determine the role of this variant in disease. Therefore, it has been classified as a Variant of Uncertain Significance.